The following is an entry in ClinVar:

NM_000390.4(CHM):c.1793T>C (p.Ile598Thr)

Gene: CHM (CHM Rab escort protein; minus strand). Cytogenetic location: Xq21.2.
Variant type: single nucleotide variant.
Coding change: c.1793T>C on transcript NM_000390.4 (MANE Select); coding-DNA position 1793, T replaced by C.
Protein change: p.Ile598Thr; replaces isoleucine 598 with threonine.
Molecular consequence: missense variant.
Genome position (GRCh38, 1-based): chrX:85,864,799, A>G on the plus strand (T>C on the coding strand, the complement: CHM is on the minus strand). VCF-style: chrX-85864799-A-G. GRCh37 (hg19) VCF-style: chrX-85119804-A-G.
Other names: c.1349T>C, p.Ile450Thr (NM_001320959.1, NM_001362517.1, NM_001362518.2 and 1 more transcripts); short protein forms I598T, I450T.
Identifiers: ClinVar variation 1923501 (VCV001923501.6), dbSNP rs2519994815, ClinGen allele CA413785542.

ClinVar aggregate classification (germline): Uncertain significance. Review status: criteria provided, multiple submitters, no conflicts (2 of 4 stars). 2 submissions from 2 submitters: Uncertain significance (2). Last evaluated 2024-01-08.

Allele frequency attached by ClinVar (database versions not stated): gnomAD exomes below 0.00001.
gnomAD v4.1: 1 of 1,208,380 alleles (0.000083%); highest among the groups gnomAD compares: Non-Finnish European, 0.00011%; no homozygotes.

Submissions (2):

Labcorp Genetics (formerly Invitae), Labcorp
Classification: Uncertain significance. Last evaluated: 2024-01-08. Review status: criteria provided, single submitter. Criteria: Invitae Variant Classification Sherloc (09022015). Collection method: clinical testing. Allele origin: germline.
Comment: This sequence change replaces isoleucine, which is neutral and non-polar, with threonine, which is neutral and polar, at codon 598 of the CHM protein (p.Ile598Thr). This variant is not present in population databases (gnomAD no frequency). This variant has not been reported in the literature in individuals affected with CHM-related conditions. ClinVar contains an entry for this variant (Variation ID: 1923501). Advanced modeling of protein sequence and biophysical properties (such as structural, functional, and spatial information, amino acid conservation, physicochemical variation, residue mobility, and thermodynamic stability) performed at Invitae indicates that this missense variant is not expected to disrupt CHM protein function with a negative predictive value of 80%. In summary, the available evidence is currently insufficient to determine the role of this variant in disease. Therefore, it has been classified as a Variant of Uncertain Significance.

Blueprint Genetics
Classification: Uncertain significance. Last evaluated: 2021-11-23. Review status: criteria provided, single submitter. Criteria: ACMG Guidelines, 2015. Collection method: clinical testing. Allele origin: germline.